The following is an entry in ClinVar:

ClinVar aggregate classification (germline): Uncertain significance (1 of 4 stars; one submission).

Conditions:
Inborn genetic diseases. Identifiers: MedGen C0950123, MeSH D030342.

Submission:

Ambry Genetics
Classification: Uncertain significance for Inborn genetic diseases. Last evaluated: 2021-12-18. Review status: criteria provided, single submitter. Criteria: Ambry Variant Classification Scheme 2023. Collection method: clinical testing. Allele origin: germline.
Comment: The p.R616L variant (also known as c.1847G>T), located in coding exon 15 of the BUB1B gene, results from a G to T substitution at nucleotide position 1847. The arginine at codon 616 is replaced by leucine, an amino acid with dissimilar properties. This amino acid position is conserved. In addition, this alteration is predicted to be tolerated by in silico analysis. Since supporting evidence is limited at this time, the clinical significance of this alteration remains unclear.

NM_001211.6(BUB1B):c.1847G>T (p.Arg616Leu)

Gene: BUB1B (BUB1 mitotic checkpoint serine/threonine kinase B; plus strand). Cytogenetic location: 15q15.1.
Variant type: single nucleotide variant.
Coding change: c.1847G>T on transcript NM_001211.6 (MANE Select); coding-DNA position 1847, G replaced by T.
Protein change: p.Arg616Leu; replaces arginine 616 with leucine.
Molecular consequence: missense variant.
Genome position (GRCh38, 1-based): chr15:40,206,296, G>T. VCF-style: chr15-40206296-G-T. GRCh37 (hg19) VCF-style: chr15-40498497-G-T.
Other names: short protein forms R616L.
Identifiers: ClinVar variation 1781266 (VCV001781266.2), dbSNP rs556193159, ClinGen allele CA391692524.